The following is an entry in ClinVar:

NM_000081.4(LYST):c.10507G>A (p.Ala3503Thr)

Gene: LYST (lysosomal trafficking regulator; minus strand). Cytogenetic location: 1q42.3.
Variant type: single nucleotide variant.
Coding change: c.10507G>A on transcript NM_000081.4 (MANE Select); coding-DNA position 10507, G replaced by A.
Protein change: p.Ala3503Thr; replaces alanine 3503 with threonine.
Molecular consequence: missense variant.
Genome position (GRCh38, 1-based): chr1:235,697,140, C>T on the plus strand (G>A on the coding strand, the complement: LYST is on the minus strand). VCF-style: chr1-235697140-C-T. GRCh37 (hg19) VCF-style: chr1-235860440-C-T.
Other names: c.10507G>A, p.Ala3503Thr (NM_001301365.1); short protein forms A3503T.
Identifiers: ClinVar variation 1703772 (VCV001703772.2), dbSNP rs1435892982, ClinGen allele CA344928965.

ClinVar aggregate classification (germline): Uncertain significance (1 of 4 stars; one submission).

Conditions:
Chédiak-Higashi syndrome (CHS). Also called: Chediak-Higashi Syndrome. Identifiers: Orphanet 167, MedGen C0007965, MONDO:0008963, OMIM 214500.

Allele frequency attached by ClinVar (database versions not stated): gnomAD exomes below 0.00001; TOPMed below 0.00001.
gnomAD v4.1: 1 of 1,614,186 alleles (0.000062%); highest among the groups gnomAD compares: Non-Finnish European, 0.000085%; no homozygotes.

Submission:

ISTH-SSC Genomics in Thrombosis and Hemostasis, KU Leuven, Center for Molecular and Vascular Biology
Classification: Uncertain significance for Chédiak-Higashi syndrome. Review status: criteria provided, single submitter. Criteria: ACMG Guidelines, 2015. Collection method: clinical testing. Allele origin: germline. Affected: yes. Observed: 1 homozygote.
Comment: Submitted to GoldVariant by Jose María Bastida and José Rivera; Grupo Español de Alteraciones Plaquetarias Congénitas (GEAPC)